The following is an entry in ClinVar:

NM_018713.3(SLC30A10):c.628G>A (p.Ala210Thr)

Gene: SLC30A10 (solute carrier family 30 member 10; minus strand). Cytogenetic location: 1q41.
Variant type: single nucleotide variant.
Coding change: c.628G>A on transcript NM_018713.3 (MANE Select); coding-DNA position 628, G replaced by A.
Protein change: p.Ala210Thr; replaces alanine 210 with threonine.
Molecular consequence: missense variant. On other transcripts: non-coding transcript variant (1), intron variant (1).
Genome position (GRCh38, 1-based): chr1:219,927,813, C>T on the plus strand (G>A on the coding strand, the complement: SLC30A10 is on the minus strand). VCF-style: chr1-219927813-C-T. GRCh37 (hg19) VCF-style: chr1-220101155-C-T.
Other names: c.452-708G>A (NM_001376929.1); c.628G>A (NM_018713.2); short protein forms A210T.
Identifiers: ClinVar variation 1468157 (VCV001468157.8), dbSNP rs1659878146, ClinGen allele CA344733246.
Genomic context (GRCh38, chr1:219,927,813, plus strand): 5'-AGGAGGAAGGAAGGGCCAAGCGGTCCAAAGGATGCAACCGAAAGGCACCTGCTACGTTTG[C>T]GAACACGGTCGCCCCCTTCTCCCGCTTCCTTTCCACCGAGGTCCCCCGGAGGGTTACGGC-3'
Protein context (NP_061183.2, residues 200-220): RKREKGATVF[Ala210Thr]NVAGDSFNTQ

ClinVar aggregate classification (germline): Uncertain significance. Review status: criteria provided, multiple submitters, no conflicts (2 of 4 stars). 2 submissions from 2 submitters: Uncertain significance (2). Last evaluated 2024-09-26.

Conditions:
Inborn genetic diseases. Identifiers: MedGen C0950123, MeSH D030342.

Allele frequency attached by ClinVar (database versions not stated): TOPMed below 0.00001; gnomAD exomes 0.00001.
gnomAD v4.1: 4 of 1,543,620 alleles (0.00026%); highest among the groups gnomAD compares: East Asian, 0.01%; no homozygotes.

Submissions (2):

Ambry Genetics
Classification: Uncertain significance for Inborn genetic diseases. Last evaluated: 2024-09-26. Review status: criteria provided, single submitter. Criteria: Ambry Variant Classification Scheme 2023. Collection method: clinical testing. Allele origin: germline.

Labcorp Genetics (formerly Invitae), Labcorp
Classification: Uncertain significance. Last evaluated: 2021-02-12. Review status: criteria provided, single submitter. Criteria: Invitae Variant Classification Sherloc (09022015). Collection method: clinical testing. Allele origin: germline.
Comment: In summary, the available evidence is currently insufficient to determine the role of this variant in disease. Therefore, it has been classified as a Variant of Uncertain Significance. Algorithms developed to predict the effect of missense changes on protein structure and function (SIFT, PolyPhen-2, Align-GVGD) all suggest that this variant is likely to be tolerated, but these predictions have not been confirmed by published functional studies and their clinical significance is uncertain. This variant has not been reported in the literature in individuals with SLC30A10-related conditions. This variant is not present in population databases (ExAC no frequency). This sequence change replaces alanine with threonine at codon 210 of the SLC30A10 protein (p.Ala210Thr). The alanine residue is weakly conserved and there is a small physicochemical difference between alanine and threonine.